The following is an entry in ClinVar:

NM_001174089.2(SLC4A11):c.1457T>C (p.Phe486Ser)

Gene: SLC4A11 (solute carrier family 4 member 11; minus strand). Cytogenetic location: 20p13.
Variant type: single nucleotide variant.
Coding change: c.1457T>C on transcript NM_001174089.2 (MANE Select); coding-DNA position 1457, T replaced by C.
Protein change: p.Phe486Ser; replaces phenylalanine 486 with serine.
Molecular consequence: missense variant. On other transcripts: non-coding transcript variant (1).
Genome position (GRCh38, 1-based): chr20:3,230,219, A>G on the plus strand (T>C on the coding strand, the complement: SLC4A11 is on the minus strand). VCF-style: chr20-3230219-A-G. GRCh37 (hg19) VCF-style: chr20-3210865-A-G.
Other names: c.1586T>C, p.Phe529Ser (NM_001174090.2); c.1343T>C, p.Phe448Ser (NM_001363745.2); c.1505T>C, p.Phe502Ser (NM_032034.4); short protein forms F448S, F502S, F486S, F529S.
Identifiers: ClinVar variation 1476983 (VCV001476983.5), dbSNP rs2067708089, ClinGen allele CA408088425.

ClinVar aggregate classification (germline): Uncertain significance (1 of 4 stars; one submission).

Allele frequency attached by ClinVar (database versions not stated): gnomAD 0.00001.
gnomAD v4.1: 1 of 1,613,404 alleles (0.000062%); highest among the groups gnomAD compares: Non-Finnish European, 0.000085%; no homozygotes.

Submission:

Labcorp Genetics (formerly Invitae), Labcorp
Classification: Uncertain significance. Last evaluated: 2021-08-28. Review status: criteria provided, single submitter. Criteria: Invitae Variant Classification Sherloc (09022015). Collection method: clinical testing. Allele origin: germline.
Comment: This sequence change replaces phenylalanine with serine at codon 502 of the SLC4A11 protein (p.Phe502Ser). The phenylalanine residue is highly conserved and there is a large physicochemical difference between phenylalanine and serine. This variant is not present in population databases (ExAC no frequency). This variant has not been reported in the literature in individuals affected with SLC4A11-related conditions. Algorithms developed to predict the effect of missense changes on protein structure and function are either unavailable or do not agree on the potential impact of this missense change (SIFT: "Deleterious"; PolyPhen-2: "Probably Damaging"; Align-GVGD: "Class C0"). In summary, the available evidence is currently insufficient to determine the role of this variant in disease. Therefore, it has been classified as a Variant of Uncertain Significance.